The following is an entry in ClinVar:

ClinVar aggregate classification (germline): Benign. Review status: criteria provided, multiple submitters, no conflicts (2 of 4 stars). 7 submissions from 7 submitters: Benign (6). 1 of the submissions does not count toward it. Last evaluated 2026-02-04.

Conditions:
Inborn genetic diseases. Identifiers: MedGen C0950123, MeSH D030342.
Schuurs-Hoeijmakers syndrome. Also called: PACS1-Related Neurodevelopmental Disorder. Identifiers: Orphanet 329224, MedGen C3554343, MONDO:0014006, OMIM 615009.

Allele frequency attached by ClinVar (database versions not stated): TOPMed 0.98259; gnomAD 0.98359 and 0.98490; 1000 Genomes Project 30x 0.98282; gnomAD exomes 0.99616 and 0.99858; ESP Exome Variant Server 0.98299; 1000 Genomes Project 0.98303; ExAC 0.99540.
gnomAD v4.1: 1,609,041 of 1,613,510 alleles (100%); highest among the groups gnomAD compares: East Asian, 100%; 802,384 homozygotes.

Submissions (7):

Labcorp Genetics (formerly Invitae), Labcorp
Classification: Benign for Schuurs-Hoeijmakers syndrome. Last evaluated: 2026-02-04. Review status: criteria provided, single submitter. Criteria: Invitae Variant Classification Sherloc (09022015). Collection method: clinical testing. Allele origin: germline.

Mayo Clinic Laboratories, Mayo Clinic
Classification: Benign. Last evaluated: 2021-11-29. Review status: criteria provided, single submitter. Criteria: ACMG Guidelines, 2015. Collection method: clinical testing. Allele origin: germline. Observed: 254 variant alleles.

Genome-Nilou Lab
Classification: Benign for Schuurs-Hoeijmakers syndrome. Last evaluated: 2021-09-05. Review status: criteria provided, single submitter. Criteria: ACMG Guidelines, 2015. Collection method: clinical testing. Allele origin: germline. Affected: no.

GeneDx
Classification: Benign. Last evaluated: 2018-07-03. Review status: criteria provided, single submitter. Criteria: GeneDx Variant Classification Process June 2021. Collection method: clinical testing. Allele origin: germline. Affected: yes.

Ambry Genetics
Classification: Benign for Inborn genetic diseases. Last evaluated: 2016-03-11. Review status: criteria provided, single submitter. Criteria: Ambry Variant Classification Scheme 2023. Collection method: clinical testing. Allele origin: germline.

Breakthrough Genomics
Classification: Benign. Review status: criteria provided, single submitter. Criteria: ACMG Guidelines, 2015. Collection method: not provided. Allele origin: germline. Inheritance: Autosomal dominant inheritance. Affected: yes.

Genetic Services Laboratory, University of Chicago
Classification: Likely benign for AllHighlyPenetrant. Review status: no assertion criteria provided. Collection method: clinical testing. Allele origin: germline. Inheritance: Autosomal dominant inheritance. Not counted in ClinVar's aggregate classification.
Comment: Likely benign based on allele frequency in 1000 Genomes Project or ESP global frequency and its presence in a patient with a rare or unrelated disease phenotype. NOT Sanger confirmed.

NM_018026.4(PACS1):c.2777-3T>C

Gene: PACS1 (phosphofurin acidic cluster sorting protein 1; plus strand). Cytogenetic location: 11q13.2.
Variant type: single nucleotide variant.
Coding change: c.2777-3T>C on transcript NM_018026.4 (MANE Select); 3 bases into the intron before coding-DNA position 2777, T replaced by C.
Molecular consequence: intron variant.
Genome position (GRCh38, 1-based): chr11:66,243,162, T>C. VCF-style: chr11-66243162-T-C. GRCh37 (hg19) VCF-style: chr11-66010633-T-C.
Other names: p.?.
Identifiers: ClinVar variation 129872 (VCV000129872.25), dbSNP rs524268, ClinGen allele CA154216.